The following is an entry in ClinVar:

NM_000540.3(RYR1):c.4852_4879del (p.Arg1618fs)

Gene: RYR1 (ryanodine receptor 1; plus strand). Cytogenetic location: 19q13.2.
Variant type: Deletion.
Coding change: c.4852_4879del on transcript NM_000540.3 (MANE Select); coding-DNA positions 4852 to 4879, 28 bases deleted (CGTGCCGGCGAGCGGCTGGGCTGGGCCG).
Protein change: p.Arg1618fs; shifts the reading frame from arginine 1618.
Molecular consequence: frameshift variant.
Genome position (GRCh38, 1-based): chr19:38,483,434-38,483,461, CGTGCCGGCGAGCGGCTGGGCTGGGCCG deleted; deleting any 28 consecutive bases within chr19:38,483,433-38,483,461 gives the same sequence; the c. name uses the placement nearest the transcript's 3' end. VCF-style (leftmost placement, unchanged base first): chr19-38483432-GGCGTGCCGGCGAGCGGCTGGGCTGGGCC-G. GRCh37 (hg19) VCF-style: chr19-38974072-GGCGTGCCGGCGAGCGGCTGGGCTGGGCC-G.
Other names: c.4852_4879del, p.Arg1618fs (NM_001042723.2); short protein forms R1618fs.
Identifiers: ClinVar variation 2751287 (VCV002751287.3), dbSNP rs2514214514, ClinGen allele CA2697556498.

ClinVar aggregate classification (germline): Pathogenic (1 of 4 stars; one submission).

Conditions:
RYR1-related disorder. Also called: RYR1-related condition; RYR1-related disorders. Identifiers: MedGen CN239331.

Submission:

Labcorp Genetics (formerly Invitae), Labcorp
Classification: Pathogenic for RYR1-related disorder. Last evaluated: 2023-08-24. Review status: criteria provided, single submitter. Criteria: Invitae Variant Classification Sherloc (09022015). Collection method: clinical testing. Allele origin: germline.
Comment: For these reasons, this variant has been classified as Pathogenic. This variant has not been reported in the literature in individuals affected with RYR1-related conditions. This variant is not present in population databases (gnomAD no frequency). This sequence change creates a premature translational stop signal (p.Arg1618Cysfs*7) in the RYR1 gene. It is expected to result in an absent or disrupted protein product. Loss-of-function variants in RYR1 are known to be pathogenic (PMID: 23919265, 25960145, 28818389, 30611313).

Literature cited by the submitters: PubMed 23919265; PubMed 25960145; PubMed 28818389; PubMed 30611313.